The following is an entry in ClinVar:

NM_015512.5(DNAH1):c.5155C>T (p.Leu1719Phe)

Gene: DNAH1 (dynein axonemal heavy chain 1; plus strand). Cytogenetic location: 3p21.1.
Variant type: single nucleotide variant.
Coding change: c.5155C>T on transcript NM_015512.5 (MANE Select); coding-DNA position 5155, C replaced by T.
Protein change: p.Leu1719Phe; replaces leucine 1719 with phenylalanine.
Molecular consequence: missense variant.
Genome position (GRCh38, 1-based): chr3:52,363,055, C>T. VCF-style: chr3-52363055-C-T. GRCh37 (hg19) VCF-style: chr3-52397071-C-T.
Other names: short protein forms L1719F.
Identifiers: ClinVar variation 707567 (VCV000707567.13), dbSNP rs201948157, ClinGen allele CA2434114.

ClinVar aggregate classification (germline): Conflicting classifications of pathogenicity. Review status: criteria provided, conflicting classifications (1 of 4 stars). 4 submissions from 4 submitters: Uncertain significance (1); Likely benign (2). 1 of the submissions does not count toward it. Last evaluated 2026-01-08.

Conditions:
Spermatogenic failure 18. Identifiers: MedGen C4539783, MONDO:0054615, OMIM 617576.
Ciliary dyskinesia, primary, 37 (CILD37). Also called: CILIARY DYSKINESIA, PRIMARY, 37, WITH OR WITHOUT SITUS INVERSUS. Identifiers: MedGen C4539798, MONDO:0033204, OMIM 617577.
DNAH1-related disorder. Also called: DNAH1-related condition.

Allele frequency attached by ClinVar (database versions not stated): gnomAD exomes 0.00012 and 0.00032; ExAC 0.00040; ESP Exome Variant Server 0.00095; gnomAD 0.00125 and 0.00130; TOPMed 0.00131; 1000 Genomes Project 0.00280; 1000 Genomes Project 30x 0.00281.
gnomAD v4.1: 373 of 1,614,018 alleles (0.023%); highest among the groups gnomAD compares: African/African-American, 0.47%; 2 homozygotes.

Submissions (4):

Labcorp Genetics (formerly Invitae), Labcorp
Classification: Likely benign for Ciliary dyskinesia, primary, 37; Spermatogenic failure 18. Last evaluated: 2026-01-08. Review status: criteria provided, single submitter. Criteria: Invitae Variant Classification Sherloc (09022015). Collection method: clinical testing. Allele origin: germline.

GeneDx
Classification: Uncertain significance. Last evaluated: 2024-11-25. Review status: criteria provided, single submitter. Criteria: GeneDx Variant Classification Process June 2021. Collection method: clinical testing. Allele origin: germline. Affected: yes.
Comment: In silico analysis supports that this missense variant has a deleterious effect on protein structure/function; Has not been previously published as pathogenic or benign to our knowledge

Blueprint Genetics
Classification: Likely benign. Last evaluated: 2024-10-02. Review status: criteria provided, single submitter. Criteria: ACMG Guidelines, 2015. Collection method: clinical testing. Allele origin: germline.

PreventionGenetics, part of Exact Sciences
Classification: Likely benign for DNAH1-related condition. Last evaluated: 2022-06-29. Review status: no assertion criteria provided. Collection method: clinical testing. Allele origin: germline. Not counted in ClinVar's aggregate classification.
Comment: This variant is classified as likely benign based on ACMG/AMP sequence variant interpretation guidelines (Richards et al. 2015 PMID: 25741868, with internal and published modifications).